The following is an entry in ClinVar:

NM_006514.4(SCN10A):c.3746T>C (p.Leu1249Pro)

Gene: SCN10A (sodium voltage-gated channel alpha subunit 10; minus strand). Cytogenetic location: 3p22.2.
Variant type: single nucleotide variant.
Coding change: c.3746T>C on transcript NM_006514.4 (MANE Select); coding-DNA position 3746, T replaced by C.
Protein change: p.Leu1249Pro; replaces leucine 1249 with proline.
Molecular consequence: missense variant.
Genome position (GRCh38, 1-based): chr3:38,714,016, A>G on the plus strand (T>C on the coding strand, the complement: SCN10A is on the minus strand). VCF-style: chr3-38714016-A-G. GRCh37 (hg19) VCF-style: chr3-38755507-A-G.
Other names: c.3743T>C, p.Leu1248Pro (NM_001293306.2); c.3452T>C, p.Leu1151Pro (NM_001293307.2); short protein forms L1248P, L1151P, L1249P.
Identifiers: ClinVar variation 1473438 (VCV001473438.8), dbSNP rs2125991146, ClinGen allele CA352151638.

ClinVar aggregate classification (germline): Uncertain significance (1 of 4 stars; one submission).

Conditions:
Brugada syndrome. Also called: Sudden unexpected nocturnal death syndrome; Sudden Unexplained Death Syndrome; Sudden Unexplained Nocturnal Death Syndrome (SUNDS); Sudden unexplained nocturnal death syndrome. Identifiers: Orphanet 130, MedGen C1142166, MONDO:0015263.

Submission:

Labcorp Genetics (formerly Invitae), Labcorp
Classification: Uncertain significance for Brugada syndrome. Last evaluated: 2022-07-06. Review status: criteria provided, single submitter. Criteria: Invitae Variant Classification Sherloc (09022015). Collection method: clinical testing. Allele origin: germline.
Comment: Advanced modeling of protein sequence and biophysical properties (such as structural, functional, and spatial information, amino acid conservation, physicochemical variation, residue mobility, and thermodynamic stability) performed at Invitae indicates that this missense variant is expected to disrupt SCN10A protein function. In summary, the available evidence is currently insufficient to determine the role of this variant in disease. Therefore, it has been classified as a Variant of Uncertain Significance. ClinVar contains an entry for this variant (Variation ID: 1473438). This variant is not present in population databases (gnomAD no frequency). This variant has not been reported in the literature in individuals affected with SCN10A-related conditions. This sequence change replaces leucine, which is neutral and non-polar, with proline, which is neutral and non-polar, at codon 1249 of the SCN10A protein (p.Leu1249Pro).